The following is an entry in ClinVar:

NC_012920.1(MT-CYB):m.14958G>A

Gene: MT-CYB (mitochondrially encoded cytochrome b; plus strand).
Variant type: single nucleotide variant.
Genome position: chrM-14958-G-A.
Identifiers: ClinVar variation 693795 (VCV000693795.1), dbSNP rs1603224979, ClinGen allele CA913172558.

ClinVar aggregate classification (germline): Uncertain significance (1 of 4 stars; one submission).

Conditions:
Leigh syndrome (NULS). Also called: Leigh's necrotizing encephalopathy; Leigh's disease; Leigh's syndrome; LEIGH SYNDROME, NUCLEAR; Leigh Syndrome (mtDNA deletion); Leigh Disease. Identifiers: Orphanet 506, MedGen C2931891, MONDO:0009723, OMIM 256000.

Submission:

Wong Mito Lab, Molecular and Human Genetics, Baylor College of Medicine
Classification: Uncertain significance for Leigh syndrome. Last evaluated: 2019-10-17. Review status: criteria provided, single submitter. Criteria: Modified ACMG Guidelines (Unpublished). Collection method: clinical testing. Allele origin: germline.
Comment: The NC_012920.1:m.14958G>A (YP_003024038.1:p.Arg71Gln) variant in MTCYB gene is interpretated to be a Uncertain Significance variant based on the modified ACMG guidelines (unpublished). This variant meets the following evidence codes: PP7, BP5